The following is an entry in ClinVar:

NM_001384474.1(LOXHD1):c.3800T>C (p.Leu1267Pro)

Gene: LOXHD1 (lipoxygenase homology PLAT domains 1; minus strand). Cytogenetic location: 18q21.1.
Variant type: single nucleotide variant.
Coding change: c.3800T>C on transcript NM_001384474.1 (MANE Select); coding-DNA position 3800, T replaced by C.
Protein change: p.Leu1267Pro; replaces leucine 1267 with proline.
Molecular consequence: missense variant.
Genome position (GRCh38, 1-based): chr18:46,541,889, A>G on the plus strand (T>C on the coding strand, the complement: LOXHD1 is on the minus strand). VCF-style: chr18-46541889-A-G. GRCh37 (hg19) VCF-style: chr18-44121852-A-G.
Other names: c.467T>C, p.Leu156Pro (NM_001145472.3); c.179T>C, p.Leu60Pro (NM_001308013.2); c.3800T>C, p.Leu1267Pro (NM_144612.7); short protein forms L1267P, L156P, L60P.
Identifiers: ClinVar variation 1477137 (VCV001477137.8), dbSNP rs2144361359, ClinGen allele CA402377618.

ClinVar aggregate classification (germline): Uncertain significance (1 of 4 stars; one submission).

Submission:

Labcorp Genetics (formerly Invitae), Labcorp
Classification: Uncertain significance. Last evaluated: 2022-11-22. Review status: criteria provided, single submitter. Criteria: Invitae Variant Classification Sherloc (09022015). Collection method: clinical testing. Allele origin: germline.
Comment: This variant has not been reported in the literature in individuals affected with LOXHD1-related conditions. This variant is not present in population databases (gnomAD no frequency). This sequence change replaces leucine, which is neutral and non-polar, with proline, which is neutral and non-polar, at codon 1267 of the LOXHD1 protein (p.Leu1267Pro). ClinVar contains an entry for this variant (Variation ID: 1477137). In summary, the available evidence is currently insufficient to determine the role of this variant in disease. Therefore, it has been classified as a Variant of Uncertain Significance. Algorithms developed to predict the effect of missense changes on protein structure and function are either unavailable or do not agree on the potential impact of this missense change (SIFT: "Deleterious"; PolyPhen-2: "Probably Damaging"; Align-GVGD: "Class C0").